The following is an entry in ClinVar:

ClinVar aggregate classification (germline): Uncertain significance (1 of 4 stars; one submission).

Submission:

CeGaT Center for Human Genetics Tuebingen
Classification: Uncertain significance. Last evaluated: 2024-10-01. Review status: criteria provided, single submitter. Criteria: CeGaT Center For Human Genetics Tuebingen Variant Classification Criteria Version 2. Collection method: clinical testing. Allele origin: germline. Affected: yes. Observed: 1 variant allele.
Comment: IFNG: PM2, BP4

NM_000619.3(IFNG):c.493T>C (p.Ser165Pro)

Gene: IFNG (interferon gamma; minus strand). Cytogenetic location: 12q15.
Variant type: single nucleotide variant.
Coding change: c.493T>C on transcript NM_000619.3 (MANE Select); coding-DNA position 493, T replaced by C.
Protein change: p.Ser165Pro; replaces serine 165 with proline.
Molecular consequence: missense variant.
Genome position (GRCh38, 1-based): chr12:68,155,361, A>G on the plus strand (T>C on the coding strand, the complement: IFNG is on the minus strand). VCF-style: chr12-68155361-A-G. GRCh37 (hg19) VCF-style: chr12-68549141-A-G.
Other names: short protein forms S165P.
Identifiers: ClinVar variation 3389523 (VCV003389523.14).
Genomic context (GRCh38, chr12:68,155,361, plus strand): 5'-ATTAATAAATAGATTTAGATTTAAAATTCAAATATTGCAGGCAGGACAACCATTACTGGG[A>G]TGCTCTTCGACCTCGAAACAGCATCTGACTCCTTTTTCGCTTCCCTGTTTTAGCTGCTGG-3'
Protein context (NP_000610.2, residues 155-166): SQMLFRGRRA[Ser165Pro]Q